The following is an entry in ClinVar:

ClinVar aggregate classification (germline): Pathogenic (1 of 4 stars; one submission).

Allele frequency attached by ClinVar (database versions not stated): ExAC 0.00001.

Submission:

Labcorp Genetics (formerly Invitae), Labcorp
Classification: Pathogenic. Last evaluated: 2022-11-22. Review status: criteria provided, single submitter. Criteria: Invitae Variant Classification Sherloc (09022015). Collection method: clinical testing. Allele origin: germline.
Comment: This sequence change creates a premature translational stop signal (p.Gln382Argfs*5) in the ARSG gene. It is expected to result in an absent or disrupted protein product. Loss-of-function variants in ARSG are known to be pathogenic (PMID: 26975023, 34223797). This variant is present in population databases (rs758482493, gnomAD 0.006%). This premature translational stop signal has been observed in individual(s) with clinical features of Usher Syndrome (Invitae). For these reasons, this variant has been classified as Pathogenic.

Literature cited by the submitters: PubMed 26975023; PubMed 34223797.

NM_001267727.2(ARSG):c.1145_1146del (p.Gln382fs)

Gene: ARSG (arylsulfatase G; plus strand). Cytogenetic location: 17q24.2.
Variant type: Deletion.
Coding change: c.1145_1146del on transcript NM_001267727.2 (MANE Select); coding-DNA positions 1145 to 1146, 2 bases deleted (AA; older notation c.1145_1146delAA).
Protein change: p.Gln382fs; shifts the reading frame from glutamine 382.
Molecular consequence: frameshift variant.
Genome position (GRCh38, 1-based): chr17:68,395,126-68,395,127, AA deleted. VCF-style (leftmost placement, unchanged base first): chr17-68395125-CAA-C. GRCh37 (hg19) VCF-style: chr17-66391266-CAA-C.
Other names: c.1145_1146del, p.Gln382fs (NM_001352899.2, NM_001352900.2, NM_001352901.2 and 3 more transcripts); c.1142_1143del, p.Gln381fs (NM_001352903.2, NM_001352904.2, NM_001352905.2 and 2 more transcripts); c.1097_1098del, p.Gln366fs (NM_001352909.2); short protein forms Q366fs, Q382fs, Q381fs.
Identifiers: ClinVar variation 1996932 (VCV001996932.4), dbSNP rs758482493, ClinGen allele CA8728496.